The following is an entry in ClinVar:

NM_031935.3(HMCN1):c.5750-12G>A

Gene: HMCN1 (hemicentin 1; plus strand). Cytogenetic location: 1q31.1.
Variant type: single nucleotide variant.
Coding change: c.5750-12G>A on transcript NM_031935.3 (MANE Select); 12 bases into the intron before coding-DNA position 5750, G replaced by A.
Molecular consequence: intron variant.
Genome position (GRCh38, 1-based): chr1:186,037,922, G>A. VCF-style: chr1-186037922-G-A. GRCh37 (hg19) VCF-style: chr1-186007054-G-A.
Identifiers: ClinVar variation 1962511 (VCV001962511.5), dbSNP rs747842133, ClinGen allele CA1292366.
Genomic context (GRCh38, chr1:186,037,922, plus strand): 5'-TTAATTGAGCAAACAATTTCAGCTTAAATATTCTACTTATAAGAAATAATTATCTGTTTG[G>A]GCCTCTTGTAGAACCACCTAGTCTGGAAGATGCTGGAAAAATGCTGAATGAGACTGTGTT-3'

ClinVar aggregate classification (germline): Uncertain significance (1 of 4 stars; one submission).

Allele frequency attached by ClinVar (database versions not stated): TOPMed below 0.00001; gnomAD exomes 0.00001; ExAC 0.00002.
gnomAD v4.1: 8 of 1,453,746 alleles (0.00055%); highest among the groups gnomAD compares: South Asian, 0.0023%; no homozygotes.

Submission:

Labcorp Genetics (formerly Invitae), Labcorp
Classification: Uncertain significance. Last evaluated: 2022-09-01. Review status: criteria provided, single submitter. Criteria: Invitae Variant Classification Sherloc (09022015). Collection method: clinical testing. Allele origin: germline.
Comment: In summary, the available evidence is currently insufficient to determine the role of this variant in disease. Therefore, it has been classified as a Variant of Uncertain Significance. Algorithms developed to predict the effect of sequence changes on RNA splicing suggest that this variant may create or strengthen a splice site. This variant has not been reported in the literature in individuals affected with HMCN1-related conditions. This variant is present in population databases (rs747842133, gnomAD 0.01%). This sequence change falls in intron 36 of the HMCN1 gene. It does not directly change the encoded amino acid sequence of the HMCN1 protein.